The following is an entry in ClinVar:

ClinVar aggregate classification (germline): Uncertain significance (1 of 4 stars; one submission).

gnomAD v4.1: 1 of 1,614,212 alleles (0.000062%); highest among the groups gnomAD compares: Admixed American, 0.0017%; no homozygotes.

Submission:

GeneDx
Classification: Uncertain significance. Last evaluated: 2024-04-30. Review status: criteria provided, single submitter. Criteria: GeneDx Variant Classification Process June 2021. Collection method: clinical testing. Allele origin: germline. Affected: yes.
Comment: In silico analysis supports that this missense variant has a deleterious effect on protein structure/function; Has not been previously published as pathogenic or benign to our knowledge

NM_001042475.3(CEP85L):c.980A>T (p.Gln327Leu)

Gene: CEP85L (centrosomal protein 85 like; minus strand). Cytogenetic location: 6q22.31.
Variant type: single nucleotide variant.
Coding change: c.980A>T on transcript NM_001042475.3 (MANE Select); coding-DNA position 980, A replaced by T.
Protein change: p.Gln327Leu; replaces glutamine 327 with leucine.
Molecular consequence: missense variant.
Genome position (GRCh38, 1-based): chr6:118,565,569, T>A on the plus strand (A>T on the coding strand, the complement: CEP85L is on the minus strand). VCF-style: chr6-118565569-T-A. GRCh37 (hg19) VCF-style: chr6-118886732-T-A.
Other names: c.989A>T, p.Gln330Leu (NM_001178035.2); c.980A>T, p.Gln327Leu (NM_206921.3); short protein forms Q327L, Q330L.
Identifiers: ClinVar variation 3373254 (VCV003373254.1).